The following is an entry in ClinVar:

NM_015665.6(AAAS):c.326C>T (p.Thr109Met)

Gene: AAAS (aladin WD repeat nucleoporin; minus strand). Cytogenetic location: 12q13.13.
Variant type: single nucleotide variant.
Coding change: c.326C>T on transcript NM_015665.6 (MANE Select); coding-DNA position 326, C replaced by T.
Protein change: p.Thr109Met; replaces threonine 109 with methionine.
Molecular consequence: missense variant.
Genome position (GRCh38, 1-based): chr12:53,315,408, G>A on the plus strand (C>T on the coding strand, the complement: AAAS is on the minus strand). VCF-style: chr12-53315408-G-A. GRCh37 (hg19) VCF-style: chr12-53709192-G-A.
Other names: c.326C>T, p.Thr109Met (NM_001173466.2); short protein forms T109M.
Identifiers: ClinVar variation 2044803 (VCV002044803.2), dbSNP rs756653657, ClinGen allele CA6599264.

ClinVar aggregate classification (germline): Uncertain significance. Review status: criteria provided, multiple submitters, no conflicts (2 of 4 stars). 2 submissions from 2 submitters: Uncertain significance (2). Last evaluated 2022-02-08.

Conditions:
Inborn genetic diseases. Identifiers: MedGen C0950123, MeSH D030342.

Allele frequency attached by ClinVar (database versions not stated): TOPMed 0.00001; gnomAD 0.00002; ExAC 0.00003; gnomAD exomes 0.00004.
gnomAD v4.1: 61 of 1,613,224 alleles (0.0038%); highest among the groups gnomAD compares: East Asian, 0.0089%; no homozygotes.

Submissions (2):

Labcorp Genetics (formerly Invitae), Labcorp
Classification: Uncertain significance. Last evaluated: 2022-02-08. Review status: criteria provided, single submitter. Criteria: Invitae Variant Classification Sherloc (09022015). Collection method: clinical testing. Allele origin: germline.
Comment: This sequence change replaces threonine, which is neutral and polar, with methionine, which is neutral and non-polar, at codon 109 of the AAAS protein (p.Thr109Met). This variant is present in population databases (rs756653657, gnomAD 0.02%). This variant has not been reported in the literature in individuals affected with AAAS-related conditions. Algorithms developed to predict the effect of missense changes on protein structure and function (SIFT, PolyPhen-2, Align-GVGD) all suggest that this variant is likely to be tolerated. In summary, the available evidence is currently insufficient to determine the role of this variant in disease. Therefore, it has been classified as a Variant of Uncertain Significance.

Ambry Genetics
Classification: Uncertain significance for Inborn genetic diseases. Last evaluated: 2021-09-01. Review status: criteria provided, single submitter. Criteria: Ambry Variant Classification Scheme 2023. Collection method: clinical testing. Allele origin: germline.